The following is an entry in ClinVar:

NM_000080.4(CHRNE):c.764C>T (p.Ser255Leu)

Genes: C17orf107 (chromosome 17 open reading frame 107; plus strand), CHRNE (cholinergic receptor nicotinic epsilon subunit; minus strand). Cytogenetic location: 17p13.2.
Variant type: single nucleotide variant.
Coding change: c.764C>T on transcript NM_000080.4 (MANE Select); coding-DNA position 764, C replaced by T.
Protein change: p.Ser255Leu; replaces serine 255 with leucine.
Molecular consequence: missense variant. On other transcripts: 3 prime UTR variant (1).
Genome position (GRCh38, 1-based): chr17:4,901,028, G>A on the plus strand (C>T on the coding strand, the complement: CHRNE is on the minus strand). VCF-style: chr17-4901028-G-A. GRCh37 (hg19) VCF-style: chr17-4804323-G-A.
Other names: c.*495G>A (NM_001145536.2); short protein forms S255L.
Identifiers: ClinVar variation 465864 (VCV000465864.15), dbSNP rs1555546765, ClinGen allele CA397304818.

ClinVar aggregate classification (germline): Pathogenic/Likely pathogenic. Review status: criteria provided, multiple submitters, no conflicts (2 of 4 stars). 4 submissions from 4 submitters: Pathogenic (2); Likely pathogenic (2). Last evaluated 2025-12-11.

Conditions:
Congenital myasthenic syndrome (CMS). Also called: Congenital Myasthenic Syndromes. Identifiers: Orphanet 590, MedGen C0751882, MeSH D020294, MONDO:0018940.
Congenital myasthenic syndrome 4B. Also called: Myasthenic syndrome, congenital, 4b, fast-channel. Identifiers: Orphanet 590, MedGen C4225369, MONDO:0014586, OMIM 616324.
Congenital myasthenic syndrome 4C (CMS4C). Also called: Myasthenic syndrome, congenital, associated with acetylcholine receptor deficiency. Identifiers: Orphanet 590, MedGen C1837091, MONDO:0012157, OMIM 608931.
Congenital myasthenic syndrome 4A. Also called: Myasthenic syndrome, congenital, 4a, slow-channel; CONGENITAL MYASTHENIC SYNDROME TYPE Ia1; MYASTHENIC SYNDROME, CONGENITAL, 4A, SLOW-CHANNEL, AUTOSOMAL RECESSIVE. Identifiers: Orphanet 590, MedGen C4225413, MONDO:0011600, OMIM 605809.

gnomAD v4.1: 2 of 1,614,038 alleles (0.00012%); highest among the groups gnomAD compares: South Asian, 0.0011%; no homozygotes.

Submissions (4):

Labcorp Genetics (formerly Invitae), Labcorp
Classification: Pathogenic for Congenital myasthenic syndrome 4A. Last evaluated: 2025-12-11. Review status: criteria provided, single submitter. Criteria: Invitae Variant Classification Sherloc (09022015). Collection method: clinical testing. Allele origin: germline.
Comment: This sequence change replaces serine, which is neutral and polar, with leucine, which is neutral and non-polar, at codon 255 of the CHRNE protein (p.Ser255Leu). This variant is not present in population databases (gnomAD no frequency). This missense change has been observed in individuals with autosomal recessive congenital myasthenic syndrome (CMS) (PMID: 20562457, 21520333). It has also been observed to segregate with disease in related individuals. This variant is also known as p.Ser235Leu. ClinVar contains an entry for this variant (Variation ID: 465864). Invitae Evidence Modeling of protein sequence and biophysical properties (such as structural, functional, and spatial information, amino acid conservation, physicochemical variation, residue mobility, and thermodynamic stability) has been performed for this missense variant. However, the output from this modeling did not meet the statistical confidence thresholds required to predict the impact of this variant on CHRNE protein function. For these reasons, this variant has been classified as Pathogenic.

Natera, Inc.
Classification: Likely pathogenic for Congenital myasthenic syndrome. Last evaluated: 2025-03-17. Review status: criteria provided, single submitter. Criteria: Natera Variant Classification Schema (03/2026). Collection method: clinical testing. Allele origin: germline.
Comment: The c.764C>T variant in CHRNE is a missense variant predicted to cause substitution of serine to leucine at amino acid 255. This variant is rare in the general population with a frequency below the threshold expected for the associated phenotype(s). This variant has been observed in one or more individuals affected with the associated recessive disease, as either homozygous or compound heterozygous with a second variant (PMID: 28690392, 20562457). Additionally, this variant has been observed to segregate in affected family members (PMID: 28690392). Computational prediction algorithms indicate this variant is likely to affect gene or protein function. Given the available evidence, this variant is classified as Likely Pathogenic.

Baylor Genetics
Classification: Pathogenic for Congenital myasthenic syndrome 4A. Last evaluated: 2024-01-04. Review status: criteria provided, single submitter. Criteria: ACMG Guidelines, 2015. Collection method: clinical testing. Allele origin: unknown.

Fulgent Genetics
Classification: Likely pathogenic for Congenital myasthenic syndrome 4A; Congenital myasthenic syndrome 4C; Congenital myasthenic syndrome 4B. Last evaluated: 2024-01-02. Review status: criteria provided, single submitter. Criteria: ACMG Guidelines, 2015. Collection method: clinical testing. Allele origin: germline.

Literature cited by the submitters: PubMed 20562457 (cited by Labcorp Genetics (formerly Invitae), Labcorp and Natera, Inc.); PubMed 21520333 (cited by Labcorp Genetics (formerly Invitae), Labcorp); PubMed 28690392 (cited by Natera, Inc.).